The following is an entry in ClinVar:

NM_001206927.2(DNAH8):c.872C>T (p.Ala291Val)

Gene: DNAH8 (dynein axonemal heavy chain 8; plus strand). Cytogenetic location: 6p21.2.
Variant type: single nucleotide variant.
Coding change: c.872C>T on transcript NM_001206927.2 (MANE Select); coding-DNA position 872, C replaced by T.
Protein change: p.Ala291Val; replaces alanine 291 with valine.
Molecular consequence: missense variant.
Genome position (GRCh38, 1-based): chr6:38,737,176, C>T. VCF-style: chr6-38737176-C-T. GRCh37 (hg19) VCF-style: chr6-38704952-C-T.
Other names: c.872C>T (NM_001206927.1); c.221C>T, p.Ala74Val (NM_001371.4); short protein forms A291V, A74V.
Identifiers: ClinVar variation 1026417 (VCV001026417.9), dbSNP rs371250738, ClinGen allele CA3788062.
Genomic context (GRCh38, chr6:38,737,176, plus strand): 5'-TTAGGGATATGTTGGCAAATATATTTCTACCAGCTGTTCTTGCAACAAACAACTGGGGTG[C>T]TTTAAACCAGTCCAAGCAGGGAGAATCTGAAAAACATATTTTCACTGAAACCATCAACAG-3'
Protein context (NP_001193856.1, residues 281-301): PAVLATNNWG[Ala291Val]LNQSKQGESE

ClinVar aggregate classification (germline): Uncertain significance. Review status: criteria provided, multiple submitters, no conflicts (2 of 4 stars). 3 submissions from 3 submitters: Uncertain significance (3). Last evaluated 2025-05-17.

Conditions:
Primary ciliary dyskinesia. Also called: Ciliary dyskinesia. Identifiers: Orphanet 244, MedGen C0008780, MONDO:0016575, HP:0012265.

Allele frequency attached by ClinVar (database versions not stated): TOPMed 0.00004.
gnomAD v4.1: 22 of 1,573,008 alleles (0.0014%); highest among the groups gnomAD compares: Middle Eastern, 0.034%; no homozygotes.

Submissions (3):

Ambry Genetics
Classification: Uncertain significance. Last evaluated: 2025-05-17. Review status: criteria provided, single submitter. Criteria: Ambry Variant Classification Scheme 2023. Collection method: clinical testing. Allele origin: germline.

Labcorp Genetics (formerly Invitae), Labcorp
Classification: Uncertain significance for Primary ciliary dyskinesia. Last evaluated: 2023-08-28. Review status: criteria provided, single submitter. Criteria: Invitae Variant Classification Sherloc (09022015). Collection method: clinical testing. Allele origin: germline.
Comment: This sequence change replaces alanine, which is neutral and non-polar, with valine, which is neutral and non-polar, at codon 291 of the DNAH8 protein (p.Ala291Val). This variant is present in population databases (rs371250738, gnomAD 0.01%). This variant has not been reported in the literature in individuals affected with DNAH8-related conditions. ClinVar contains an entry for this variant (Variation ID: 1026417). Experimental studies and prediction algorithms are not available or were not evaluated, and the functional significance of this variant is currently unknown. In summary, the available evidence is currently insufficient to determine the role of this variant in disease. Therefore, it has been classified as a Variant of Uncertain Significance.

Breakthrough Genomics
Classification: Uncertain significance. Review status: criteria provided, single submitter. Criteria: ACMG Guidelines, 2015. Collection method: not provided. Allele origin: germline. Inheritance: Autosomal recessive inheritance. Affected: yes.